The following continues an entry in ClinVar:

NM_000142.5(FGFR3):c.742C>T (p.Arg248Cys)

Gene: FGFR3. ClinVar aggregate classification (germline): Pathogenic. Pathogenic (50).

Submissions 8 to 19 of 63:

ARUP Laboratories, Molecular Genetics and Genomics, ARUP Laboratories
Classification: Pathogenic. Last evaluated: 2025-04-28. Review status: criteria provided, single submitter. Criteria: ARUP Molecular Germline Variant Investigation Process 2024. Collection method: clinical testing. Allele origin: germline.
Comment: The FGFR3 c.742C>T; p.Arg248Cys variant (rs121913482) is classified as pathogenic by several sources in the ClinVar database (Variation ID: 16332) and is described as one of the most common FGFR3 variants identified in cases of autosomal dominant thanatophoric dysplasia (TD) (Tavormina 1995, Wilcox 1998). In one cohort, the p.Arg248Cys variant was identified in 45 out of 91 cases of TD (Wilcox 1998). Additionally, genotyping has demonstrated that this variant is absent in both parents of some affected individuals (Tavormina 1995, Takagi 2012), suggesting it may frequently arise de novo. While the majority of variant carriers are severely affected, p.Arg248Cys has also been identified in patients with milder forms of skeletal dysplasia, which is typically attributed to somatic mosaicism of the p.Arg248Cys variant (Hyland 2003, Takagi 2012). Functional studies indicate the p.Arg248Cys variant promotes ligand-independent FGFR3 dimerization (Del Piccolo 2015), which is predicted to result in constitutive receptor activation, as is observed with other cysteine-substituted FGFR3 variants associated with TD type I (Adar 2002). Based on available information, this variant is considered to be pathogenic. REFERENCES Adar R et al. Differential activation of cysteine-substitution mutants of fibroblast growth factor receptor 3 is determined by cysteine localization. J Bone Miner Res. 2002 May;17(5):860-8. PMID: 12009017. Del Piccolo N et al. Effect of thanatophoric dysplasia type I mutations on FGFR3 dimerization. Biophys J. 2015 Jan 20;108(2):272-8. PMID: 25606676. Hyland VJ et al. Somatic and germline mosaicism for a R248C missense mutation in FGFR3, resulting in a skeletal dysplasia distinct from thanatophoric dysplasia. Am J Med Genet A. 2003 Jul 15;120A(2):157-68. PMID: 12833394. Takagi M et al. Atypical achondroplasia due to somatic mosaicism for the common thanatophoric dysplasia mutation R248C. Am J Med Genet A. 2012 Jan;158A(1):247-50. PMID: 22106050. Tavormina PL et al. Thanatophoric dysplasia (types I and II) caused by distinct mutations in fibroblast growth factor receptor 3. Nat Genet. 1995 Mar;9(3):321-8. PMID: 7773297. Wilcox WR et al. Molecular, radiologic, and histopathologic correlations in thanatophoric dysplasia. Am J Med Genet. 1998 Jul 7;78(3):274-81. PMID: 9677066.

Laboratory of Genetics, Children's Clinical University Hospital Latvia
Classification: Pathogenic. Last evaluated: 2025-02-16. Review status: criteria provided, single submitter. Criteria: ACMG Guidelines, 2015. Collection method: clinical testing. Allele origin: germline. Affected: yes.

Laboratoire de Génétique Moléculaire, CHU Bordeaux
Classification: Pathogenic for Achondroplasia. Last evaluated: 2025-02-07. Review status: criteria provided, single submitter. Criteria: ACMG Guidelines, 2015. Collection method: clinical testing. Allele origin: germline. Affected: yes.

Victorian Clinical Genetics Services, Murdoch Childrens Research Institute
Classification: Pathogenic for Thanatophoric dysplasia type 1. Last evaluated: 2024-12-01. Review status: criteria provided, single submitter. Criteria: ACMG Guidelines, 2015. Collection method: clinical testing. Allele origin: germline. Affected: yes.
Comment: This variant is classified as Pathogenic. Evidence in support of pathogenic classification: Variant is absent from gnomAD (both v2 and v3); This variant has strong previous evidence of pathogenicity in unrelated individuals. This variant has been classified as pathogenic by multiple clinical laboratories in ClinVar; Missense variant consistently predicted to be damaging by multiple in silico tools or highly conserved with a major amino acid change; Additional information: Variant is predicted to result in a missense amino acid change from arginine to cysteine; This variant is heterozygous; This gene is associated with both recessive and dominant disease (OMIM); Variant is not located in an established domain, motif, hotspot or informative constraint region; Gain of function is a known mechanism of disease in this gene and is associated with autosomal dominant skeletal dysplasias (OMIM). Autosomal recessive and dominant CATSHL syndrome (MIM#610474) are suspected to be due to variants resulting in a loss of function and dominant negative mechanism, respectively (PMID: 25614871, 24864036); The condition associated with this gene has incomplete penetrance. Individuals with Muenke syndrome have been shown to inherit pathogenic variants from an asymptomatic parent (PMID: 26740388, 18000976); Variants in this gene are known to have variable expressivity. There is a wide range of clinical symptoms with variable expressivity in LADD and Muenke syndrome patients, even within the same family (PMID: 26740388, 16501574).

Institute of Medical Genetics and Applied Genomics, University Hospital Tübingen
Classification: Pathogenic for Thanatophoric dysplasia type 1. Last evaluated: 2024-10-23. Review status: criteria provided, single submitter. Criteria: ACMG Guidelines, 2015. Collection method: clinical testing. Allele origin: germline. Inheritance: Autosomal dominant inheritance. Affected: yes.

Centre of Medical Genetics, University Hospital Muenster
Classification: Pathogenic. Last evaluated: 2024-10-10. Review status: criteria provided, single submitter. Criteria: ACMG Guidelines, 2015. Collection method: clinical testing. Allele origin: de novo. Affected: yes. Observed: 1 variant allele, 1 heterozygote.
Comment: ACMG categories: PS1,PS2,PS4,PM1,PM2

Dubai Health Genomic Medicine Center, Dubai Health
Classification: Pathogenic for Muenke syndrome. Last evaluated: 2024-10-04. Review status: criteria provided, single submitter. Criteria: ACMG Guidelines, 2015. Collection method: research. Allele origin: germline. Affected: yes.
Comment: PS3,PS2,PM2,PP3

Blueprint Genetics
Classification: Pathogenic for FGFR3-related disorders. Last evaluated: 2024-06-26. Review status: criteria provided, single submitter. Criteria: ACMG Guidelines, 2015. Collection method: clinical testing. Allele origin: germline. Affected: yes. Observed: 5 variant alleles.

3billion
Classification: Pathogenic for Thanatophoric dysplasia type 1. Last evaluated: 2024-06-19. Review status: criteria provided, single submitter. Criteria: ACMG Guidelines, 2015. Collection method: clinical testing. Allele origin: germline. Affected: yes.
Comment: The variant is not observed in the gnomAD v4.0.0 dataset. Predicted Consequence/Location: Missense changes are a common disease-causing mechanism. Functional studies provide moderate evidence of the variant having a damaging effect on the gene or gene product (PMID: 25606676). In silico tool predictions suggest damaging effect of the variant on gene or gene product [REVEL: 0.85 (>=0.6, sensitivity 0.68 and specificity 0.92); 3Cnet: 0.62 (>=0.6, sensitivity 0.72 and precision 0.9)]. The same nucleotide change resulting in the same amino acid change has been previously reported as pathogenic/likely pathogenic with strong evidence (ClinVar ID: VCV000016332 /PMID: 7773297). The variant has been previously reported as de novo in a similarly affected individual (ClinVar ID: SCV000282235.1). The variant has been observed in multiple (>3) similarly affected unrelated individuals (PMID: 22106050, 25614871, 7773297, 9677066; ClinVar ID: SCV000282235.1, SCV001430109.1). The variant has been previously reported as assumed (i.e. paternity and maternity not confirmed) de novo in at least two similarly affected unrelated individuals (PMID: 22106050, 7773297). Therefore, this variant is classified as Pathogenic according to the recommendation of ACMG/AMP guideline.

Fulgent Genetics
Classification: Pathogenic for Achondroplasia; Malignant tumor of urinary bladder; Colorectal cancer; Hypochondroplasia; Epidermal nevus; Thanatophoric dysplasia type 1; Thanatophoric dysplasia, type 2; Germ cell tumor of testis; Muenke syndrome; Cervical cancer; Camptodactyly-tall stature-scoliosis-hearing loss syndrome; Crouzon syndrome-acanthosis nigricans syndrome; Severe achondroplasia-developmental delay-acanthosis nigricans syndrome; Lacrimoauriculodentodigital syndrome 2. Last evaluated: 2024-05-17. Review status: criteria provided, single submitter. Criteria: ACMG Guidelines, 2015. Collection method: clinical testing. Allele origin: germline.

Genomic Medicine Center of Excellence, King Faisal Specialist Hospital and Research Centre
Classification: Pathogenic for Achondroplasia. Last evaluated: 2024-03-17. Review status: criteria provided, single submitter. Criteria: ACMG Guidelines, 2015. Collection method: research. Allele origin: germline.

New York Genome Center
Classification: Pathogenic for Thanatophoric dysplasia type 1. Last evaluated: 2024-02-14. Review status: criteria provided, single submitter. Criteria: NYGC Assertion Criteria 2020. Collection method: clinical testing. Allele origin: de novo. Affected: yes. Observed: 3 variant alleles, 3 heterozygotes. Clinical features observed: Fetal cystic hygroma (HP:0010878), Increased nuchal translucency (HP:0010880), Short femur (HP:0003097), Femoral bowing (HP:0002980), Short humerus (HP:0005792), Bowed humerus (HP:0003865), Angulated humerus (HP:0003863), Lemon sign (HP:0032269), Ventricular septal defect (HP:0001629), Cardiomegaly (HP:0001640), Short long bone (HP:0003026), Fibular hypoplasia (HP:0003038), and 8 more.
Comment: The apparently de novo heterozygous c.742C>T, p.(Arg248Cys) variant identified in the FGFR3 gene substitutes a well conserved Arginine for Cysteine atamino acid 248/807 (exon 7/18). The p.(Arg248Cys) variant is one of the most common FGFR3 variants identified in individuals with Thanatophoric Dysplasia, type I,and accounts for approximately 50-70% of reported cases [PMID:25614871, 9677066, 20301540]. This variant is absent from population database (gnomADv4,TOPMed Freeze 10, All of Us) suggesting it is not a common benign variant in populations represented in those databases. The c.742C>T, p.(Arg248Cys) variant is reported in ClinVar as Pathogenic or Likely Pathogenic (VarID:16332; 48 submissions, no conflicts). Functional studies suggest the variant Cysteine at this positionleads to formation of disulfide bonds that create covalently bound dimers resulting in gain of function through constitutive receptor activation ([PMID: 25606676,8640234] for Review [PMID:22045636]). Given the available evidence, the apparently de novo heterozygous c.742C>T, p.(Arg248Cys) variant identified in the FGFR3 gene is reported as Pathogenic.